The following is an entry in ClinVar:

NM_004369.4(COL6A3):c.619C>T (p.His207Tyr)

Gene: COL6A3 (collagen type VI alpha 3 chain; minus strand). Cytogenetic location: 2q37.3.
Variant type: single nucleotide variant.
Coding change: c.619C>T on transcript NM_004369.4 (MANE Select); coding-DNA position 619, C replaced by T.
Protein change: p.His207Tyr; replaces histidine 207 with tyrosine.
Molecular consequence: missense variant. On other transcripts: intron variant (4).
Genome position (GRCh38, 1-based): chr2:237,394,677, G>A on the plus strand (C>T on the coding strand, the complement: COL6A3 is on the minus strand). VCF-style: chr2-237394677-G-A. GRCh37 (hg19) VCF-style: chr2-238303320-G-A.
Other names: c.91+2050C>T (NM_057166.5, NM_057167.4, NM_057164.5 and 1 more transcripts); short protein forms H207Y.
Identifiers: ClinVar variation 899322 (VCV000899322.12), dbSNP rs749985039, ClinGen allele CA2189826.

ClinVar aggregate classification (germline): Conflicting classifications of pathogenicity. Review status: criteria provided, conflicting classifications (1 of 4 stars). 2 submissions from 2 submitters: Uncertain significance (1); Likely benign (1). Last evaluated 2024-06-15.

Conditions:
Collagen 6-related myopathy. Identifiers: MedGen CN117976, MONDO:0100225.
Bethlem myopathy 1A. Also called: MYOPATHY, BENIGN CONGENITAL, WITH CONTRACTURES; Bethlem myopathy 1; Bethlem Muscular Dystrophy. Identifiers: Orphanet 610, MedGen CN029274, MONDO:0024530, OMIM 158810.

Allele frequency attached by ClinVar (database versions not stated): TOPMed below 0.00001.
gnomAD v4.1: 24 of 1,614,234 alleles (0.0015%); highest among the groups gnomAD compares: East Asian, 0.0089%; no homozygotes.

Submissions (2):

Labcorp Genetics (formerly Invitae), Labcorp
Classification: Uncertain significance for Bethlem myopathy 1A. Last evaluated: 2024-06-15. Review status: criteria provided, single submitter. Criteria: Invitae Variant Classification Sherloc (09022015). Collection method: clinical testing. Allele origin: germline.
Comment: This sequence change replaces histidine, which is basic and polar, with tyrosine, which is neutral and polar, at codon 207 of the COL6A3 protein (p.His207Tyr). This variant is present in population databases (rs749985039, gnomAD 0.002%). This variant has not been reported in the literature in individuals affected with COL6A3-related conditions. ClinVar contains an entry for this variant (Variation ID: 899322). Advanced modeling of protein sequence and biophysical properties (such as structural, functional, and spatial information, amino acid conservation, physicochemical variation, residue mobility, and thermodynamic stability) performed at Invitae indicates that this missense variant is not expected to disrupt COL6A3 protein function with a negative predictive value of 95%. In summary, the available evidence is currently insufficient to determine the role of this variant in disease. Therefore, it has been classified as a Variant of Uncertain Significance.

Illumina Laboratory Services, Illumina
Classification: Likely benign for Collagen VI-related myopathy. Last evaluated: 2018-01-13. Review status: criteria provided, single submitter. Criteria: ICSL Variant Classification Criteria 13 December 2019. Collection method: clinical testing. Allele origin: germline.
Comment: This variant was observed in the ICSL laboratory as part of a predisposition screen in an ostensibly healthy population. It had not been previously curated by ICSL or reported in the Human Gene Mutation Database (HGMD: prior to June 1st, 2018), and was therefore a candidate for classification through an automated scoring system. Utilizing variant allele frequency, disease prevalence and penetrance estimates, and inheritance mode, an automated score was calculated to assess if this variant is too frequent to cause the disease. Based on the score and internal cut-off values, a variant classified as likely benign is not then subjected to further curation. The score for this variant resulted in a classification of likely benign for this disease.